The following is an entry in ClinVar:

NM_052813.5(CARD9):c.809A>T (p.Glu270Val)

Gene: CARD9 (caspase recruitment domain family member 9; minus strand). Cytogenetic location: 9q34.3.
Variant type: single nucleotide variant.
Coding change: c.809A>T on transcript NM_052813.5 (MANE Select); coding-DNA position 809, A replaced by T.
Protein change: p.Glu270Val; replaces glutamic acid 270 with valine.
Molecular consequence: missense variant.
Genome position (GRCh38, 1-based): chr9:136,370,436, T>A on the plus strand (A>T on the coding strand, the complement: CARD9 is on the minus strand). VCF-style: chr9-136370436-T-A. GRCh37 (hg19) VCF-style: chr9-139264888-T-A.
Other names: p.Glu270Val; c.809A>T, p.Glu270Val (NM_052814.4); short protein forms E270V.
Identifiers: ClinVar variation 365844 (VCV000365844.45), dbSNP rs114895119, ClinGen allele CA5332961.

ClinVar aggregate classification (germline): Conflicting classifications of pathogenicity. Review status: criteria provided, conflicting classifications (1 of 4 stars). 6 submissions from 6 submitters: Uncertain significance (1); Benign (2); Likely benign (2). 1 of the submissions does not count toward it. Last evaluated 2026-06-01.

Conditions:
CARD9-related disorder. Also called: CARD9-related condition.
Predisposition to invasive fungal disease due to CARD9 deficiency (IMD103). Also called: IMMUNODEFICIENCY 103, SUSCEPTIBILITY TO FUNGAL INFECTIONS; Candidiasis, familial, 2, autosomal recessive; CARD9 IMMUNODEFICIENCY. Identifiers: Orphanet 457088, MedGen C1859353, MONDO:0008905, OMIM 212050.

Allele frequency attached by ClinVar (database versions not stated): TOPMed 0.00365; gnomAD exomes 0.00400 and 0.00354; ExAC 0.00422; 1000 Genomes Project 30x 0.00172; 1000 Genomes Project 0.00200; ESP Exome Variant Server 0.00285; gnomAD 0.00356 and 0.00357.
gnomAD v4.1: 6,402 of 1,610,598 alleles (0.4%); highest among the groups gnomAD compares: Middle Eastern, 1%; 28 homozygotes.

Submissions (14):

CeGaT Center for Human Genetics Tuebingen
Classification: Likely benign. Last evaluated: 2026-06-01. Review status: criteria provided, single submitter. Criteria: CeGaT Center For Human Genetics Tuebingen Variant Classification Criteria Version 2. Collection method: clinical testing. Allele origin: germline. Affected: yes. Observed: 3 variant alleles.
Comment: CARD9: BP4, BS2

Labcorp Genetics (formerly Invitae), Labcorp
Classification: Benign for Predisposition to invasive fungal disease due to CARD9 deficiency. Last evaluated: 2026-02-01. Review status: criteria provided, single submitter. Criteria: Invitae Variant Classification Sherloc (09022015). Collection method: clinical testing. Allele origin: germline.

Mayo Clinic Laboratories, Mayo Clinic
Classification: Benign. Last evaluated: 2024-11-08. Review status: criteria provided, single submitter. Criteria: ACMG Guidelines, 2015. Collection method: clinical testing. Allele origin: germline. Observed: 1 variant allele.
Comment: BS1, BS2, BP4

Center for Genomics, Ann and Robert H. Lurie Children's Hospital of Chicago
Classification: Uncertain significance for Predisposition to invasive fungal disease due to CARD9 deficiency. Last evaluated: 2021-03-30. Review status: criteria provided, single submitter. Criteria: ACMG Guidelines, 2015. Collection method: clinical testing. Allele origin: germline.
Comment: CARD9 NM_052813.4 exon 6 p.Glu270Val (c.809A>T): This variant has not been reported in the literature but is present in 0.4% (601/123300) of European alleles, including 3 homozygotes in the Genome Aggregation Database. This variant is present in ClinVar (Variation ID:365844). This variant amino acid Valine (Val) is present in >15 species and is not well conserved among evolutionarily distant species; this suggests that this variant may not impact the protein. Additional computational prediction tools do not suggest an impact. Splice prediction tools suggest that this variant may affect splicing. However, further studies are needed to understand its impact. In summary, data on this variant is insufficient for disease classification. Therefore, the clinical significance of this variant is uncertain.

Illumina Laboratory Services, Illumina
Classification: Likely benign for Predisposition to invasive fungal disease due to CARD9 deficiency. Last evaluated: 2018-01-13. Review status: criteria provided, single submitter. Criteria: ICSL Variant Classification Criteria 13 December 2019. Collection method: clinical testing. Allele origin: germline.
Comment: This variant was observed in the ICSL laboratory as part of a predisposition screen in an ostensibly healthy population. It had not been previously curated by ICSL or reported in the Human Gene Mutation Database (HGMD: prior to June 1st, 2018), and was therefore a candidate for classification through an automated scoring system. Utilizing variant allele frequency, disease prevalence and penetrance estimates, and inheritance mode, an automated score was calculated to assess if this variant is too frequent to cause the disease. Based on the score and internal cut-off values, a variant classified as likely benign is not then subjected to further curation. The score for this variant resulted in a classification of likely benign for this disease.

PreventionGenetics, part of Exact Sciences
Classification: Likely benign for CARD9-related condition. Last evaluated: 2023-07-11. Review status: no assertion criteria provided. Collection method: clinical testing. Allele origin: germline. Not counted in ClinVar's aggregate classification.
Comment: This variant is classified as likely benign based on ACMG/AMP sequence variant interpretation guidelines (Richards et al. 2015 PMID: 25741868, with internal and published modifications).

Dr. Peter K. Rogan Lab, Western University
No classification provided (evidence only). Condition: Lung cancer. Review status: no classification provided. Collection method: in vitro. Allele origin: not applicable. Functional consequence: retained intron. Not counted in ClinVar's aggregate classification.

Dr. Peter K. Rogan Lab, Western University
No classification provided (evidence only). Condition: Melanoma. Review status: no classification provided. Collection method: in vitro. Allele origin: not applicable. Functional consequence: retained intron. Not counted in ClinVar's aggregate classification.

Dr. Peter K. Rogan Lab, Western University
No classification provided (evidence only). Condition: Melanoma. Review status: no classification provided. Collection method: in vitro. Allele origin: not applicable. Functional consequence: retained intron. Not counted in ClinVar's aggregate classification.

Dr. Peter K. Rogan Lab, Western University
No classification provided (evidence only). Condition: Thyroid cancer, nonmedullary, 1. Review status: no classification provided. Collection method: in vitro. Allele origin: not applicable. Functional consequence: retained intron. Not counted in ClinVar's aggregate classification.

Dr. Peter K. Rogan Lab, Western University
No classification provided (evidence only). Condition: Thymoma. Review status: no classification provided. Collection method: in vitro. Allele origin: not applicable. Functional consequence: retained intron. Not counted in ClinVar's aggregate classification.

Dr. Peter K. Rogan Lab, Western University
No classification provided (evidence only). Condition: Chronic lymphocytic leukemia/small lymphocytic lymphoma. Review status: no classification provided. Collection method: in vitro. Allele origin: not applicable. Functional consequence: retained intron. Not counted in ClinVar's aggregate classification.

Dr. Peter K. Rogan Lab, Western University
No classification provided (evidence only). Condition: Familial pancreatic carcinoma. Review status: no classification provided. Collection method: in vitro. Allele origin: not applicable. Functional consequence: retained intron. Not counted in ClinVar's aggregate classification.

Dr. Peter K. Rogan Lab, Western University
No classification provided (evidence only). Condition: Lymphoma. Review status: no classification provided. Collection method: in vitro. Allele origin: not applicable. Functional consequence: retained intron. Not counted in ClinVar's aggregate classification.